The following is an entry in ClinVar:

NM_177438.3(DICER1):c.4918G>A (p.Gly1640Ser)

Gene: DICER1 (dicer 1, ribonuclease III; minus strand). Cytogenetic location: 14q32.13.
Variant type: single nucleotide variant.
Coding change: c.4918G>A on transcript NM_177438.3 (MANE Select); coding-DNA position 4918, G replaced by A.
Protein change: p.Gly1640Ser; replaces glycine 1640 with serine.
Molecular consequence: missense variant. On other transcripts: non-coding transcript variant (6).
Genome position (GRCh38, 1-based): chr14:95,096,002, C>T on the plus strand (G>A on the coding strand, the complement: DICER1 is on the minus strand). VCF-style: chr14-95096002-C-T. GRCh37 (hg19) VCF-style: chr14-95562339-C-T.
Other names: c.4918G>A, p.Gly1640Ser (NM_001195573.1, NM_001271282.3, NM_001291628.2 and 13 more transcripts); c.4636G>A, p.Gly1546Ser (NM_001395686.1); c.4513G>A, p.Gly1505Ser (NM_001395687.1, NM_001395688.1, NM_001395689.1 and 2 more transcripts); c.4351G>A, p.Gly1451Ser (NM_001395691.1); c.3235G>A, p.Gly1079Ser (NM_001395697.1); short protein forms G1546S, G1640S, G1079S, G1451S, G1505S.
Identifiers: ClinVar variation 2586401 (VCV002586401.2), dbSNP rs753190767, ClinGen allele CA7330771.
Genomic context (GRCh38, chr14:95,096,002, plus strand): 5'-TCAGTGTTTTATCTGCATCTGGATGATCAAACATACATCTTGGTGGAATCTTCAAACAAC[C>T]ATATTCCGAGTCTTTCAATACAGAAGAGCGTGAACTGGCCACAGAAGCAGCAGCACAGCT-3'
Protein context (NP_803187.1, residues 1630-1650): RSSVLKDSEY[Gly1640Ser]CLKIPPRCMF

ClinVar aggregate classification (germline): Uncertain significance (1 of 4 stars; one submission).

Conditions:
Hereditary cancer-predisposing syndrome. Also called: Hereditary neoplastic syndrome; Tumor predisposition; Hereditary Cancer Syndrome; Neoplastic Syndromes, Hereditary. Identifiers: Orphanet 140162, MedGen C0027672, MeSH D009386, MONDO:0015356.

Allele frequency attached by ClinVar (database versions not stated): gnomAD exomes below 0.00001; ExAC 0.00002.

Submission:

Ambry Genetics
Classification: Uncertain significance for Hereditary cancer-predisposing syndrome. Last evaluated: 2023-06-30. Review status: criteria provided, single submitter. Criteria: Ambry Variant Classification Scheme 2023. Collection method: clinical testing. Allele origin: germline.
Comment: The p.G1640S variant (also known as c.4918G>A), located in coding exon 22 of the DICER1 gene, results from a G to A substitution at nucleotide position 4918. The glycine at codon 1640 is replaced by serine, an amino acid with similar properties. This amino acid position is conserved. In addition, this alteration is predicted to be deleterious by in silico analysis. Since supporting evidence is limited at this time, the clinical significance of this alteration remains unclear.